The following is an entry in ClinVar:

ClinVar aggregate classification (germline): Conflicting classifications of pathogenicity. Review status: criteria provided, conflicting classifications (1 of 4 stars). 11 submissions from 11 submitters: Uncertain significance (1); Benign (6); Likely benign (1). 3 of the submissions do not count toward it. Last evaluated 2026-01-26.

Conditions:
Cardiomyopathy (CMYO). Also called: Cardiomyopathies. Identifiers: Orphanet 167848, MedGen C0878544, MONDO:0004994, HP:0001638. Inheritance: Various modes of inheritance.
Hypertrophic cardiomyopathy 14. Identifiers: MedGen C2750467, MONDO:0013197, OMIM 613251.

Allele frequency attached by ClinVar (database versions not stated): ExAC 0.00071; TOPMed 0.00224; gnomAD 0.00225 and 0.00238; ESP Exome Variant Server 0.00277; 1000 Genomes Project 0.00319; 1000 Genomes Project 30x 0.00359.
gnomAD v4.1: 711 of 1,614,196 alleles (0.044%); highest among the groups gnomAD compares: African/African-American, 0.75%; 1 homozygote.

Submissions (11):

Labcorp Genetics (formerly Invitae), Labcorp
Classification: Benign for Hypertrophic cardiomyopathy 14. Last evaluated: 2026-01-26. Review status: criteria provided, single submitter. Criteria: Invitae Variant Classification Sherloc (09022015). Collection method: clinical testing. Allele origin: germline.

CeGaT Center for Human Genetics Tuebingen
Classification: Likely benign. Last evaluated: 2025-11-01. Review status: criteria provided, single submitter. Criteria: CeGaT Center For Human Genetics Tuebingen Variant Classification Criteria Version 2. Collection method: clinical testing. Allele origin: germline. Affected: yes. Observed: 1 variant allele.
Comment: MYH6: BP4, BP7

Blueprint Genetics
Classification: Benign. Last evaluated: 2024-11-27. Review status: criteria provided, single submitter. Criteria: ACMG Guidelines, 2015. Collection method: clinical testing. Allele origin: germline.

Women's Health and Genetics/Laboratory Corporation of America, LabCorp
Classification: Benign. Last evaluated: 2020-08-30. Review status: criteria provided, single submitter. Criteria: LabCorp Variant Classification Summary - May 2015. Collection method: clinical testing. Allele origin: germline.

ARUP Laboratories, Molecular Genetics and Genomics, ARUP Laboratories
Classification: Benign. Last evaluated: 2020-01-16. Review status: criteria provided, single submitter. Criteria: ARUP Molecular Germline Variant Investigation Process. Collection method: clinical testing. Allele origin: germline.

GeneDx
Classification: Benign. Last evaluated: 2017-04-18. Review status: criteria provided, single submitter. Criteria: GeneDx Variant Classification (06012015). Collection method: clinical testing. Allele origin: germline. Affected: yes.
Comment: This variant is considered likely benign or benign based on one or more of the following criteria: it is a conservative change, it occurs at a poorly conserved position in the protein, it is predicted to be benign by multiple in silico algorithms, and/or has population frequency not consistent with disease.

CHEO Genetics Diagnostic Laboratory, Children's Hospital of Eastern Ontario
Classification: Uncertain significance for Cardiomyopathy. Last evaluated: 2015-10-13. Review status: criteria provided, single submitter. Criteria: ACMG Guidelines, 2015. Collection method: clinical testing. Allele origin: germline. Study: Canadian Open Genetics Repository.

Laboratory for Molecular Medicine, Mass General Brigham Personalized Medicine
Classification: Benign. Last evaluated: 2012-03-19. Review status: criteria provided, single submitter. Criteria: LMM Criteria. Collection method: clinical testing. Allele origin: germline. Observed: 1 variant allele.
Comment: p.Asn483Asn in Exon 14 of MYH6: This variant is not expected to have clinical si gnificance because it does not alter an amino acid residue, is not located withi n the splice consensus sequence and has been identified in 0.9% (32/3738) of Afr ican American chromosomes from a broad population by the NHLBI Exome Sequencing Project (dbSNP rs145447555).

Clinical Genetics DNA and cytogenetics Diagnostics Lab, Erasmus MC, Erasmus Medical Center
Classification: Likely benign. Review status: no assertion criteria provided. Collection method: clinical testing. Allele origin: germline. Affected: yes. Study: VKGL Data-share Consensus. Not counted in ClinVar's aggregate classification.

Clinical Genetics, Academic Medical Center
Classification: Benign. Review status: no assertion criteria provided. Collection method: clinical testing. Allele origin: germline. Affected: yes. Study: VKGL Data-share Consensus. Not counted in ClinVar's aggregate classification.

Genome Diagnostics Laboratory, University Medical Center Utrecht
Classification: Benign. Review status: no assertion criteria provided. Collection method: clinical testing. Allele origin: germline. Affected: yes. Study: VKGL Data-share Consensus. Not counted in ClinVar's aggregate classification.

NM_002471.4(MYH6):c.1449C>T (p.Asn483=)

Gene: MYH6 (myosin heavy chain 6; minus strand). Cytogenetic location: 14q11.2.
Variant type: single nucleotide variant.
Coding change: c.1449C>T on transcript NM_002471.4 (MANE Select); coding-DNA position 1449, C replaced by T.
Protein change: p.Asn483=; no amino-acid change (asparagine 483 retained).
Molecular consequence: synonymous variant.
Genome position (GRCh38, 1-based): chr14:23,400,388, G>A on the plus strand (C>T on the coding strand, the complement: MYH6 is on the minus strand). VCF-style: chr14-23400388-G-A. GRCh37 (hg19) VCF-style: chr14-23869597-G-A.
Identifiers: ClinVar variation 44453 (VCV000044453.36), dbSNP rs145447555, ClinGen allele CA134242.